The following is an entry in ClinVar:

NM_000243.3(MEFV):c.1780C>T (p.Gln594Ter)

Genes: MEFV (MEFV innate immunity regulator, pyrin; minus strand), LOC126862264 (CDK7 strongly-dependent group 2 enhancer GRCh37_chr16:3293322-3294521; plus strand). Cytogenetic location: 16p13.3.
Variant type: single nucleotide variant.
Coding change: c.1780C>T on transcript NM_000243.3 (MANE Select); coding-DNA position 1780, C replaced by T.
Protein change: p.Gln594Ter; replaces glutamine 594 with a stop codon.
Molecular consequence: nonsense. On other transcripts: missense variant (1).
Genome position (GRCh38, 1-based): chr16:3,243,872, G>A on the plus strand (C>T on the coding strand, the complement: MEFV is on the minus strand). VCF-style: chr16-3243872-G-A. GRCh37 (hg19) VCF-style: chr16-3293872-G-A.
Other names: c.1322C>T, p.Ser441Leu (NM_001198536.2); short protein forms Q594*, S441L.
Identifiers: ClinVar variation 527802 (VCV000527802.43), dbSNP rs780770024, ClinGen allele CA7859928.

ClinVar aggregate classification (germline): Conflicting classifications of pathogenicity. Review status: criteria provided, conflicting classifications (1 of 4 stars). 6 submissions from 4 submitters: Uncertain significance (4); Likely benign (2). Last evaluated 2023-02-08.

Conditions:
Familial Mediterranean fever (FMF). Also called: Periodic peritonitis; Benign paroxysmal peritonitis; POLYSEROSITIS, FAMILIAL PAROXYSMAL; POLYSEROSITIS, RECURRENT. Identifiers: Orphanet 342, MedGen C0031069, MONDO:0018088, OMIM 249100. Disease mechanism: gain of function.
Familial Mediterranean fever, autosomal dominant. Also called: Dominant Familial Mediterranean Fever; FMF, AUTOSOMAL DOMINANT. Identifiers: Orphanet 342, MedGen C1851347, MONDO:0007601, OMIM 134610.
Acute febrile neutrophilic dermatosis (AFND). Also called: Gomm Button disease; Sweet Syndrome. Identifiers: Orphanet 3243, MedGen C0085077, MONDO:0011959, OMIM 608068.

Allele frequency attached by ClinVar (database versions not stated): gnomAD exomes below 0.00001; TOPMed below 0.00001; ExAC 0.00001; gnomAD 0.00001.

Submissions (6):

Genome-Nilou Lab
Classification: Uncertain significance for Familial Mediterranean fever. Last evaluated: 2023-02-08. Review status: criteria provided, single submitter. Criteria: ACMG Guidelines, 2015. Collection method: clinical testing. Allele origin: germline.

Genome-Nilou Lab
Classification: Likely benign for Familial Mediterranean fever, autosomal dominant. Last evaluated: 2023-02-08. Review status: criteria provided, single submitter. Criteria: ACMG Guidelines, 2015. Collection method: clinical testing. Allele origin: germline.

Genome-Nilou Lab
Classification: Likely benign for Acute febrile neutrophilic dermatosis. Last evaluated: 2023-02-08. Review status: criteria provided, single submitter. Criteria: ACMG Guidelines, 2015. Collection method: clinical testing. Allele origin: germline.

Labcorp Genetics (formerly Invitae), Labcorp
Classification: Uncertain significance for Familial Mediterranean fever. Last evaluated: 2022-06-04. Review status: criteria provided, single submitter. Criteria: Invitae Variant Classification Sherloc (09022015). Collection method: clinical testing. Allele origin: germline.
Comment: In summary, the available evidence is currently insufficient to determine the role of this variant in disease. Therefore, it has been classified as a Variant of Uncertain Significance. ClinVar contains an entry for this variant (Variation ID: 527802). This variant has not been reported in the literature in individuals affected with MEFV-related conditions. This variant is present in population databases (rs780770024, gnomAD 0.0009%). This sequence change creates a premature translational stop signal (p.Gln594*) in the MEFV gene. While this is not anticipated to result in nonsense mediated decay, it is expected to disrupt the last 188 amino acid(s) of the MEFV protein.

Fulgent Genetics
Classification: Uncertain significance for Familial Mediterranean fever, autosomal dominant; Familial Mediterranean fever; Acute febrile neutrophilic dermatosis. Last evaluated: 2022-04-20. Review status: criteria provided, single submitter. Criteria: ACMG Guidelines, 2015. Collection method: clinical testing. Allele origin: unknown.

CeGaT Center for Human Genetics Tuebingen
Classification: Uncertain significance. Last evaluated: 2021-12-01. Review status: criteria provided, single submitter. Criteria: CeGaT Center For Human Genetics Tuebingen Variant Classification Criteria Version 2. Collection method: clinical testing. Allele origin: germline. Affected: yes. Observed: 1 variant allele.